The following is an entry in ClinVar:

NM_001085487.3(MYSM1):c.2164C>A (p.Arg722Ser)

Gene: MYSM1 (Myb like, SWIRM and MPN domains 1; minus strand). Cytogenetic location: 1p32.1.
Variant type: single nucleotide variant.
Coding change: c.2164C>A on transcript NM_001085487.3 (MANE Select); coding-DNA position 2164, C replaced by A.
Protein change: p.Arg722Ser; replaces arginine 722 with serine.
Molecular consequence: missense variant.
Genome position (GRCh38, 1-based): chr1:58,665,499, G>T on the plus strand (C>A on the coding strand, the complement: MYSM1 is on the minus strand). VCF-style: chr1-58665499-G-T. GRCh37 (hg19) VCF-style: chr1-59131171-G-T.
Other names: short protein forms R722S.
Identifiers: ClinVar variation 1390133 (VCV001390133.5), dbSNP rs200350305, ClinGen allele CA877604.

ClinVar aggregate classification (germline): Uncertain significance. Review status: criteria provided, multiple submitters, no conflicts (2 of 4 stars). 2 submissions from 2 submitters: Uncertain significance (2). Last evaluated 2025-08-25.

gnomAD v4.1: 201 of 1,585,566 alleles (0.013%); highest among the groups gnomAD compares: South Asian, 0.12%; no homozygotes.

Submissions (2):

Labcorp Genetics (formerly Invitae), Labcorp
Classification: Uncertain significance. Last evaluated: 2025-08-25. Review status: criteria provided, single submitter. Criteria: Invitae Variant Classification Sherloc (09022015). Collection method: clinical testing. Allele origin: germline.
Comment: This sequence change replaces arginine, which is basic and polar, with serine, which is neutral and polar, at codon 722 of the MYSM1 protein (p.Arg722Ser). This variant is present in population databases (rs200350305, gnomAD 0.1%). This variant has not been reported in the literature in individuals affected with MYSM1-related conditions. ClinVar contains an entry for this variant (Variation ID: 1390133). An algorithm developed to predict the effect of missense changes on protein structure and function (PolyPhen-2) suggests that this variant is likely to be disruptive. In summary, the available evidence is currently insufficient to determine the role of this variant in disease. Therefore, it has been classified as a Variant of Uncertain Significance.

Blueprint Genetics
Classification: Uncertain significance. Last evaluated: 2024-09-10. Review status: criteria provided, single submitter. Criteria: ACMG Guidelines, 2015. Collection method: clinical testing. Allele origin: germline.